The following is an entry in ClinVar:

NM_001130438.3(SPTAN1):c.7102G>C (p.Glu2368Gln)

Gene: SPTAN1 (spectrin alpha, non-erythrocytic 1; plus strand). Cytogenetic location: 9q34.11.
Variant type: single nucleotide variant.
Coding change: c.7102G>C on transcript NM_001130438.3 (MANE Select); coding-DNA position 7102, G replaced by C.
Protein change: p.Glu2368Gln; replaces glutamic acid 2368 with glutamine.
Molecular consequence: missense variant.
Genome position (GRCh38, 1-based): chr9:128,632,660, G>C. VCF-style: chr9-128632660-G-C. GRCh37 (hg19) VCF-style: chr9-131394939-G-C.
Other names: p.E2368Q:GAG>CAG; c.7027G>C, p.Glu2343Gln (NM_001195532.2); c.7165G>C, p.Glu2389Gln (NM_001363759.2); c.7042G>C, p.Glu2348Gln (NM_001363765.2); c.7087G>C, p.Glu2363Gln (NM_003127.4); short protein forms E2368Q, E2343Q, E2363Q, E2348Q, E2389Q.
Identifiers: ClinVar variation 207361 (VCV000207361.4), dbSNP rs796053329, ClinGen allele CA318751.
Genomic context (GRCh38, chr9:128,632,660, plus strand): 5'-CTGAACCATCAGGAGTTCAAATCTTGCCTGCGCTCCCTGGGCTATGACCTGCCCATGGTG[G>C]AGGAAGGGGAACCTGACCCTGAGTTCGAGGCAATCCTGGACACGGTGGATCCGAACAGGT-3'
Protein context (NP_001123910.1, residues 2358-2378): RSLGYDLPMV[Glu2368Gln]EGEPDPEFEA

ClinVar aggregate classification (germline): Conflicting classifications of pathogenicity. Review status: criteria provided, conflicting classifications (1 of 4 stars). 3 submissions from 3 submitters: Uncertain significance (2); Likely benign (1). Last evaluated 2021-07-15.

Conditions:
Developmental and epileptic encephalopathy, 5 (DEE5). Identifiers: Orphanet 3451, MedGen C3150731, MONDO:0013277, OMIM 613477.

Allele frequency attached by ClinVar (database versions not stated): TOPMed 0.00001.
gnomAD v4.1: 4 of 1,614,066 alleles (0.00025%); highest among the groups gnomAD compares: Non-Finnish European, 0.00034%; no homozygotes.

Submissions (3):

Genome-Nilou Lab
Classification: Uncertain significance for Developmental and epileptic encephalopathy, 5. Last evaluated: 2021-07-15. Review status: criteria provided, single submitter. Criteria: ACMG Guidelines, 2015. Collection method: clinical testing. Allele origin: germline. Affected: no.

Center for Pediatric Genomic Medicine, Children's Mercy Hospital and Clinics
Classification: Uncertain significance. Last evaluated: 2017-06-15. Review status: criteria provided, single submitter. Criteria: ACMG Guidelines, 2015. Collection method: clinical testing. Allele origin: germline.

GeneDx
Classification: Likely benign. Last evaluated: 2015-11-06. Review status: criteria provided, single submitter. Criteria: GeneDx Variant Classification (06012015). Collection method: clinical testing. Allele origin: germline. Affected: yes.
Comment: This variant is considered likely benign or benign based on one or more of the following criteria: it is a conservative change, it occurs at a poorly conserved position in the protein, it is predicted to be benign by multiple in silico algorithms, and/or has population frequency not consistent with disease.